The following is an entry in ClinVar:

ClinVar aggregate classification (germline): Uncertain significance (1 of 4 stars; one submission).

Conditions:
Werner syndrome (WRN). Identifiers: Orphanet 902, MedGen C0043119, MONDO:0010196, OMIM 277700.

Allele frequency attached by ClinVar (database versions not stated): gnomAD 0.00001.
gnomAD v4.1: 1 of 1,614,166 alleles (0.000062%); highest among the groups gnomAD compares: East Asian, 0.0022%; no homozygotes.

Submission:

Labcorp Genetics (formerly Invitae), Labcorp
Classification: Uncertain significance for Werner syndrome. Last evaluated: 2021-11-09. Review status: criteria provided, single submitter. Criteria: Invitae Variant Classification Sherloc (09022015). Collection method: clinical testing. Allele origin: germline.
Comment: In summary, the available evidence is currently insufficient to determine the role of this variant in disease. Therefore, it has been classified as a Variant of Uncertain Significance. Algorithms developed to predict the effect of missense changes on protein structure and function output the following: SIFT: "Not Available"; PolyPhen-2: "Benign"; Align-GVGD: "Not Available". The leucine amino acid residue is found in multiple mammalian species, which suggests that this missense change does not adversely affect protein function. This variant has not been reported in the literature in individuals affected with WRN-related conditions. This variant is not present in population databases (gnomAD no frequency). This sequence change replaces phenylalanine, which is neutral and non-polar, with leucine, which is neutral and non-polar, at codon 1027 of the WRN protein (p.Phe1027Leu).

NM_000553.6(WRN):c.3079T>C (p.Phe1027Leu)

Gene: WRN (WRN RecQ like helicase; plus strand). Cytogenetic location: 8p12.
Variant type: single nucleotide variant.
Coding change: c.3079T>C on transcript NM_000553.6 (MANE Select); coding-DNA position 3079, T replaced by C.
Protein change: p.Phe1027Leu; replaces phenylalanine 1027 with leucine.
Molecular consequence: missense variant.
Genome position (GRCh38, 1-based): chr8:31,141,541, T>C. VCF-style: chr8-31141541-T-C. GRCh37 (hg19) VCF-style: chr8-30999057-T-C.
Other names: short protein forms F1027L.
Identifiers: ClinVar variation 1350492 (VCV001350492.6), dbSNP rs2130415539, ClinGen allele CA370922240.